The following is an entry in ClinVar:

NM_000091.5(COL4A3):c.2535del (p.Leu846fs)

Genes: COL4A3 (collagen type IV alpha 3 chain; plus strand), MFF-DT (MFF divergent transcript; minus strand). Cytogenetic location: 2q36.3.
Variant type: Deletion.
Coding change: c.2535del on transcript NM_000091.5 (MANE Select); coding-DNA position 2535, one base deleted (C; older notation c.2535delC).
Protein change: p.Leu846fs; shifts the reading frame from leucine 846.
Molecular consequence: frameshift variant.
Genome position (GRCh38, 1-based): chr2:227,282,411, C deleted. VCF-style (leftmost placement, unchanged base first): chr2-227282410-GC-G. GRCh37 (hg19) VCF-style: chr2-228147126-GC-G.
Other names: c.2535delC (NM_000091.4, NM_000091.5); short protein forms L846fs.
Identifiers: ClinVar variation 553278 (VCV000553278.12), dbSNP rs993103826, ClinGen allele CA66599934.

ClinVar aggregate classification (germline): Pathogenic/Likely pathogenic. Review status: criteria provided, multiple submitters, no conflicts (2 of 4 stars). 5 submissions from 5 submitters: Pathogenic (2); Likely pathogenic (2). 1 of the submissions does not count toward it. Last evaluated 2026-02-17.

Conditions:
Autosomal recessive Alport syndrome (ATS2). Also called: COL4A3-Related Nephropathy; Alport syndrome type 2; ALPORT SYNDROME 2, AUTOSOMAL RECESSIVE; COL4A4 Alport Syndrome and Thin Basement Membrane Nephropathy. Identifiers: Orphanet 63, Orphanet 88919, MedGen C4746745, MONDO:0008762, OMIM 203780.
Autosomal dominant Alport syndrome (ATS3A). Also called: ALPORT SYNDROME 3A, AUTOSOMAL DOMINANT; Alport syndrome dominant type; Renal failure and sensorineural hearing loss. Identifiers: Orphanet 63, Orphanet 88918, MedGen C5882663, MONDO:0007086, OMIM 104200.
Benign familial hematuria. Also called: thin basement membrane disease. Identifiers: MedGen C0241908, MONDO:0957317.
Alport syndrome. Also called: Hemorrhagic familial nephritis; Hemorrhagic hereditary nephritis; Congenital hereditary hematuria. Identifiers: Orphanet 63, MedGen C1567741, MONDO:0018965.

Allele frequency attached by ClinVar (database versions not stated): gnomAD exomes below 0.00001; TOPMed 0.00002; ESP Exome Variant Server 0.00009; gnomAD 0.00002.

Submissions (5):

Women's Health and Genetics/Laboratory Corporation of America, LabCorp
Classification: Pathogenic for Autosomal recessive Alport syndrome. Last evaluated: 2026-02-17. Review status: criteria provided, single submitter. Criteria: LabCorp Variant Classification Summary - May 2015. Collection method: clinical testing. Allele origin: germline.
Comment: Variant summary: COL4A3 c.2535delC (p.Leu846TrpfsX37) results in a premature termination codon, predicted to cause a truncation of the encoded protein or absence of the protein due to nonsense mediated decay, which are commonly known mechanisms for disease. The frequency data for this variant in gnomAD is considered unreliable, as metrics indicate poor data quality at this position. c.2535delC has been observed in the presumed heterozygous state in at least 2 individual(s) affected with clinical features of Alport Syndrome. These report(s) do not provide unequivocal conclusions about association of the variant with Alport Syndrome, Autosomal Recessive. The following publication has been ascertained in the context of this evaluation (PMID: 37849993). ClinVar contains an entry for this variant (Variation ID: 553278). Based on the evidence outlined above, the variant was classified as pathogenic for autosomal dominant and autosomal recessive Alport syndrome.

Labcorp Genetics (formerly Invitae), Labcorp
Classification: Pathogenic. Last evaluated: 2025-06-12. Review status: criteria provided, single submitter. Criteria: Invitae Variant Classification Sherloc (09022015). Collection method: clinical testing. Allele origin: germline.
Comment: This sequence change creates a premature translational stop signal (p.Leu846Trpfs*37) in the COL4A3 gene. It is expected to result in an absent or disrupted protein product. Loss-of-function variants in COL4A3 are known to be pathogenic (PMID: 8956999, 24854265, 26809805, 27281700). The frequency data for this variant in the population databases is considered unreliable, as metrics indicate poor data quality at this position in the gnomAD database. This variant has not been reported in the literature in individuals affected with COL4A3-related conditions. ClinVar contains an entry for this variant (Variation ID: 553278). For these reasons, this variant has been classified as Pathogenic.

Natera, Inc.
Classification: Likely pathogenic for Alport syndrome. Last evaluated: 2024-06-04. Review status: criteria provided, single submitter. Criteria: Natera Variant Classification Schema (03/2026). Collection method: clinical testing. Allele origin: germline.
Comment: The c.2535delC variant in COL4A3 is a frameshift variant predicted to shift the reading frame beginning at codon 846 and leads to a stop codon 37 codons downstream. This variant is expected to result in nonsense mediated decay, truncation, or a dysfunctional protein product. This variant is rare in the general population with a frequency below the threshold expected for the associated phenotype(s). Given the available evidence, this variant is classified as Likely Pathogenic.

Fulgent Genetics
Classification: Likely pathogenic for Autosomal dominant Alport syndrome; Hematuria, benign familial, 1; Autosomal recessive Alport syndrome. Last evaluated: 2022-01-24. Review status: criteria provided, single submitter. Criteria: ACMG Guidelines, 2015. Collection method: clinical testing. Allele origin: unknown.

Counsyl
Classification: Likely pathogenic for Autosomal recessive Alport syndrome. Last evaluated: 2017-08-11. Review status: no assertion criteria provided. Collection method: clinical testing. Allele origin: unknown. Not counted in ClinVar's aggregate classification.

Literature cited by the submitters: PubMed 37849993 (cited by Women's Health and Genetics/Laboratory Corporation of America, LabCorp); PubMed 8956999 (cited by Labcorp Genetics (formerly Invitae), Labcorp); PubMed 24854265 (cited by Labcorp Genetics (formerly Invitae), Labcorp); PubMed 26809805 (cited by Labcorp Genetics (formerly Invitae), Labcorp); PubMed 27281700 (cited by Labcorp Genetics (formerly Invitae), Labcorp).